The following is an entry in ClinVar:

ClinVar aggregate classification (germline): Likely pathogenic (1 of 4 stars; one submission).

Conditions:
Myasthenic syndrome, congenital, 22 (CMS22). Also called: PREPL DEFICIENCY. Identifiers: MedGen C4479088, MONDO:0044299, OMIM 616224.

gnomAD v4.1: 80 of 1,609,276 alleles (0.005%); highest among the groups gnomAD compares: Non-Finnish European, 0.0067%; no homozygotes.

Submission:

Labcorp Genetics (formerly Invitae), Labcorp
Classification: Likely pathogenic for Myasthenic syndrome, congenital, 22. Last evaluated: 2024-08-28. Review status: criteria provided, single submitter. Criteria: Invitae Variant Classification Sherloc (09022015). Collection method: clinical testing. Allele origin: germline.
Comment: This sequence change affects an acceptor splice site in intron 1 of the PREPL gene. It is expected to disrupt RNA splicing. Variants that disrupt the donor or acceptor splice site typically lead to a loss of protein function (PMID: 16199547), and loss-of-function variants in PREPL are known to be pathogenic (PMID: 24610330, 28726805, 29913539). This variant is present in population databases (rs753545038, gnomAD 0.007%). This variant has not been reported in the literature in individuals affected with PREPL-related conditions. ClinVar contains an entry for this variant (Variation ID: 1919198). Algorithms developed to predict the effect of sequence changes on RNA splicing suggest that this variant may disrupt the consensus splice site. In summary, the currently available evidence indicates that the variant is pathogenic, but additional data are needed to prove that conclusively. Therefore, this variant has been classified as Likely Pathogenic.

Literature cited by the submitters: PubMed 16199547; PubMed 24610330; PubMed 28726805; PubMed 29913539.

NM_001171613.2(PREPL):c.-48-2A>T

Gene: PREPL (prolyl endopeptidase like; minus strand). Cytogenetic location: 2p21.
Variant type: single nucleotide variant.
Coding change: c.-48-2A>T on transcript NM_001171613.2 (MANE Select); the canonical splice acceptor site of the intron before 48 bases upstream of the start codon, A replaced by T.
Molecular consequence: splice acceptor variant.
Genome position (GRCh38, 1-based): chr2:44,346,392, T>A on the plus strand (A>T on the coding strand, the complement: PREPL is on the minus strand). VCF-style: chr2-44346392-T-A. GRCh37 (hg19) VCF-style: chr2-44573531-T-A.
Other names: c.-48-2A>T (NM_001171617.1, NM_001374277.1); c.220-2A>T (NM_001171603.1, NM_001374275.1, NM_001374276.1 and 4 more transcripts).
Identifiers: ClinVar variation 1919198 (VCV001919198.5), dbSNP rs753545038, ClinGen allele CA1641689.